The following is an entry in ClinVar:

ClinVar aggregate classification (germline): Pathogenic. Review status: criteria provided, single submitter (1 of 4 stars). 2 submissions from 2 submitters: Pathogenic (1). 1 of the submissions does not count toward it. Last evaluated 2023-04-12.

Conditions:
Tuberous sclerosis syndrome (TSC). Also called: Tuberous Sclerosis Complex; Tuberous sclerosis. Identifiers: Orphanet 805, MedGen C0041341, MONDO:0001734.
Hereditary cancer-predisposing syndrome. Also called: Neoplastic Syndromes, Hereditary; Tumor predisposition; Hereditary Cancer Syndrome; Hereditary neoplastic syndrome. Identifiers: Orphanet 140162, MedGen C0027672, MeSH D009386, MONDO:0015356.

Submissions (2):

Ambry Genetics
Classification: Pathogenic for Hereditary cancer-predisposing syndrome. Last evaluated: 2023-04-12. Review status: criteria provided, single submitter. Criteria: Ambry Variant Classification Scheme 2023. Collection method: clinical testing. Allele origin: germline.
Comment: The p.N1681K pathogenic mutation (also known as c.5043C>G), located in coding exon 38 of the TSC2 gene, results from a C to G substitution at nucleotide position 5043. The asparagine at codon 1681 is replaced by lysine, an amino acid with similar properties. This alteration has been identified as de novo in an individual meeting diagnostic criteria for tuberous sclerosis complex (TSC), and the variant has been observed in TSC cohorts (Maheshwar MM et al. Hum. Mol. Genet., 1997 Oct;6:1991-6; Rosengren T et al. Sci Rep 2020 Jun;10(1):9909). This amino acid change was found to be deleterious in a protein functional study (Rosengren T et al. Sci Rep 2020 Jun;10(1):9909). Another alteration that results in the same amino acid change (c.5043C>A) has been observed in at least one individual with a personal and/or family history that is consistent with TSC2-related disease (Ambry internal data). This amino acid position is highly conserved in available vertebrate species. In addition, this alteration is predicted to be tolerated by in silico analysis. This variant is considered to be rare based on population cohorts in the Genome Aggregation Database (gnomAD). Based on the supporting evidence, this alteration is interpreted as a disease-causing mutation.

Tuberous sclerosis database (TSC2)
No classification provided. Condition: TSC. Review status: no classification provided. Criteria: Tuberous Sclerosis Database Assertion Criteria 2015. Collection method: curation. Allele origin: germline. Affected: yes. Not counted in ClinVar's aggregate classification.

Literature cited by the submitters: PubMed 10205261 (cited by Ambry Genetics); PubMed 23514105 (cited by Ambry Genetics); PubMed 32555378 (cited by Ambry Genetics); PubMed 9302281 (cited by Ambry Genetics).

NM_000548.5(TSC2):c.5043C>G (p.Asn1681Lys)

Gene: TSC2 (TSC complex subunit 2; plus strand). Cytogenetic location: 16p13.3.
Variant type: single nucleotide variant.
Coding change: c.5043C>G on transcript NM_000548.5 (MANE Select); coding-DNA position 5043, C replaced by G.
Protein change: p.Asn1681Lys; replaces asparagine 1681 with lysine.
Molecular consequence: missense variant.
Genome position (GRCh38, 1-based): chr16:2,087,916, C>G. VCF-style: chr16-2087916-C-G. GRCh37 (hg19) VCF-style: chr16-2137917-C-G.
Other names: c.4734C>G, p.Asn1578Lys (NM_001318827.2); c.4698C>G, p.Asn1566Lys (NM_001318829.2); c.4311C>G, p.Asn1437Lys (NM_001318831.2); c.4875C>G, p.Asn1625Lys (NM_001318832.2); c.4845C>G, p.Asn1615Lys (NM_001363528.2); c.4911C>G, p.Asn1637Lys (NM_001370404.1); c.4914C>G, p.Asn1638Lys (NM_001370405.1, NM_021055.3); c.4842C>G, p.Asn1614Lys (NM_001077183.3); and 1 more; short protein forms N1681K, N1566K, N1638K, N1578K, N1625K, N1437K, N1614K, N1615K.
Identifiers: ClinVar variation 49342 (VCV000049342.4), dbSNP rs45476793, ClinGen allele CA021576.